The following is an entry in ClinVar:

ClinVar aggregate classification (germline): Uncertain significance (0 of 4 stars; one submission).

Conditions:
GJA3-related disorder. Also called: GJA3-related condition.

Submission:

PreventionGenetics, part of Exact Sciences
Classification: Uncertain significance for GJA3-related condition. Last evaluated: 2024-02-13. Review status: no assertion criteria provided. Collection method: clinical testing. Allele origin: germline.
Comment: The GJA3 c.323_326delAGAG variant is predicted to result in a frameshift and premature protein termination (p.Glu108Glyfs*7). To our knowledge, this variant has not been reported in the literature or in a large population database, indicating this variant is rare. Frameshift variants have been documented in GJA3, but the majority occur downstream of this residue and lead to a stop loss and protein extension (Mackay et al. 1999. PubMed ID: 10205266; Li et al. 2019. PubMed ID: 31842807). Although we suspect that this variant may be pathogenic, at this time, the clinical significance of this variant is uncertain due to the absence of conclusive functional and genetic evidence.

NM_021954.4(GJA3):c.323_326del (p.Glu108fs)

Gene: GJA3 (gap junction protein alpha 3; minus strand). Cytogenetic location: 13q12.11.
Variant type: Microsatellite.
Coding change: c.323_326del on transcript NM_021954.4 (MANE Select); coding-DNA positions 323 to 326, 4 bases deleted (AGAG; older notation c.323_326delAGAG).
Protein change: p.Glu108fs; shifts the reading frame from glutamic acid 108.
Molecular consequence: frameshift variant.
Genome position (GRCh38, 1-based): chr13:20,142,963-20,142,966, CTCT deleted on the plus strand (AGAG on the coding strand, the reverse complement: GJA3 is on the minus strand); deleting any 4 consecutive bases within chr13:20,142,963-20,142,968 gives the same sequence; the c. name uses the placement nearest the transcript's 3' end. VCF-style (leftmost placement, unchanged base first): chr13-20142962-CCTCT-C. GRCh37 (hg19) VCF-style: chr13-20717101-CCTCT-C.
Other names: short protein forms E108fs.
Identifiers: ClinVar variation 3055103 (VCV003055103.2), dbSNP rs1958821122, ClinGen allele CA2622250410.